The following is an entry in ClinVar:

NM_015557.3(CHD5):c.5003-3delinsGA

Gene: CHD5 (chromodomain helicase DNA binding protein 5; minus strand). Cytogenetic location: 1p36.31.
Variant type: Indel.
Coding change: c.5003-3delinsGA on transcript NM_015557.3 (MANE Select); 3 bases into the intron before coding-DNA position 5003, C replaced by GA.
Molecular consequence: intron variant.
Genome position (GRCh38, 1-based): chr1:6,112,280, G replaced by TC on the plus strand (C replaced by GA on the coding strand, the reverse complement: CHD5 is on the minus strand). VCF-style: chr1-6112280-G-TC. GRCh37 (hg19) VCF-style: chr1-6172340-G-TC.
Identifiers: ClinVar variation 2627296 (VCV002627296.2), dbSNP rs2525335102, ClinGen allele CA2580610878.
Genomic context (GRCh38, chr1:6,112,280, plus strand): 5'-TCTTTGTCACCATTTTGCTGTGTTTCAATGGGCTCCTTCTCCTCAGCCTTGGTGTCATCT[G>TC]CCGGGGACAGATCACATTCATTCATCCATCCATCCAAAAAGCAGTGCCCAGCGGCCTCTC-3'

ClinVar aggregate classification (germline): Uncertain significance (1 of 4 stars; one submission).

Submission:

Women's Health and Genetics/Laboratory Corporation of America, LabCorp
Classification: Uncertain significance. Last evaluated: 2024-11-06. Review status: criteria provided, single submitter. Criteria: LabCorp Variant Classification Summary - May 2015. Collection method: clinical testing. Allele origin: germline.
Comment: Variant summary: CHD5 c.5003-3delinsGA alters a non-conserved nucleotide located close to a canonical splice site and therefore could affect mRNA splicing, leading to a significantly altered protein sequence. Several computational tools predict a significant impact on normal splicing: Two predict the variant abolishes a canonical 3' acceptor site. Two predict the variant weakens this site. However, these predictions have yet to be confirmed by functional studies. The variant was absent in 251064 control chromosomes (gnomAD). The available data on variant occurrences in the general population are insufficient to allow any conclusion about variant significance. To our knowledge, no occurrence of c.5003-3delinsGA in individuals affected with Parenti-Mignot Neurodevelopmental Syndrome and no experimental evidence demonstrating its impact on protein function have been reported. ClinVar contains an entry for this variant (Variation ID: 2627296). Based on the evidence outlined above, the variant was classified as uncertain significance.